The following is an entry in ClinVar:

NM_001005373.4(LRSAM1):c.252+134T>C

Gene: LRSAM1 (leucine rich repeat and sterile alpha motif containing 1; plus strand). Cytogenetic location: 9q33.3.
Variant type: single nucleotide variant.
Coding change: c.252+134T>C on transcript NM_001005373.4 (MANE Select); 134 bases into the intron after coding-DNA position 252, T replaced by C.
Molecular consequence: intron variant.
Genome position (GRCh38, 1-based): chr9:127,457,527, T>C. VCF-style: chr9-127457527-T-C. GRCh37 (hg19) VCF-style: chr9-130219806-T-C.
Other names: c.252+134T>C (NM_138361.5, NM_001384142.1, NM_001384143.1 and 2 more transcripts); c.-533+134T>C (NM_001384144.1).
Identifiers: ClinVar variation 677039 (VCV000677039.2), dbSNP rs145947414, ClinGen allele CA199851682.
Genomic context (GRCh38, chr9:127,457,527, plus strand): 5'-TGGGCTGCCTCTTGCATGTCAGAGGGGCCCAATCTACCAGTCAGTCTGGGATTTGATCAG[T>C]ATGGTTTACTGGATACTTCTGTGGGCTGTGTGTGGGTTAGGGTGACAAAGATGACCAGCC-3'

ClinVar aggregate classification (germline): Likely benign. Review status: criteria provided, multiple submitters, no conflicts (2 of 4 stars). 2 submissions from 2 submitters: Likely benign (2). Last evaluated 2018-06-16.

Allele frequency attached by ClinVar (database versions not stated): 1000 Genomes Project 30x 0.00359; 1000 Genomes Project 0.00379; TOPMed 0.00982; gnomAD 0.01020 and 0.01040; gnomAD exomes 0.01254.
gnomAD v4.1: 9,942 of 820,174 alleles (1.2%); highest among the groups gnomAD compares: Middle Eastern, 1.9%; 82 homozygotes.

Submissions (2):

GeneDx
Classification: Likely benign. Last evaluated: 2018-06-16. Review status: criteria provided, single submitter. Criteria: GeneDx Variant Classification (06012015). Collection method: clinical testing. Allele origin: germline. Affected: yes.
Comment: This variant is considered likely benign or benign based on one or more of the following criteria: it is a conservative change, it occurs at a poorly conserved position in the protein, it is predicted to be benign by multiple in silico algorithms, and/or has population frequency not consistent with disease.

Breakthrough Genomics
Classification: Likely benign. Review status: criteria provided, single submitter. Criteria: ACMG Guidelines, 2015. Collection method: not provided. Allele origin: germline. Inheritance: Autosomal dominant inheritance. Affected: yes.